The following is an entry in ClinVar:

ClinVar aggregate classification (germline): Uncertain significance. Review status: criteria provided, multiple submitters, no conflicts (2 of 4 stars). 2 submissions from 2 submitters: Uncertain significance (2). Last evaluated 2024-07-05.

Conditions:
Alagille syndrome due to a JAG1 point mutation. Also called: Alagille Syndrome 1; HEPATIC DUCTULAR HYPOPLASIA, SYNDROMATIC; JAG1-Related Alagille Syndrome. Identifiers: Orphanet 261619, Orphanet 52, MedGen C1956125, MONDO:0016862, OMIM 118450.

Allele frequency attached by ClinVar (database versions not stated): gnomAD exomes below 0.00001; gnomAD 0.00001; TOPMed 0.00001.
gnomAD v4.1: 2 of 1,613,482 alleles (0.00012%); highest among the groups gnomAD compares: Non-Finnish European, 0.000085%; no homozygotes.

Submissions (2):

Labcorp Genetics (formerly Invitae), Labcorp
Classification: Uncertain significance for Alagille syndrome due to a JAG1 point mutation. Last evaluated: 2024-07-05. Review status: criteria provided, single submitter. Criteria: Invitae Variant Classification Sherloc (09022015). Collection method: clinical testing. Allele origin: germline.
Comment: This sequence change replaces arginine, which is basic and polar, with histidine, which is basic and polar, at codon 705 of the JAG1 protein (p.Arg705His). This variant is not present in population databases (gnomAD no frequency). This variant has not been reported in the literature in individuals affected with JAG1-related conditions. ClinVar contains an entry for this variant (Variation ID: 1328834). An algorithm developed to predict the effect of missense changes on protein structure and function (PolyPhen-2) suggests that this variant is likely to be disruptive. In summary, the available evidence is currently insufficient to determine the role of this variant in disease. Therefore, it has been classified as a Variant of Uncertain Significance.

GeneDx
Classification: Uncertain significance. Last evaluated: 2024-04-12. Review status: criteria provided, single submitter. Criteria: GeneDx Variant Classification Process June 2021. Collection method: clinical testing. Allele origin: germline. Affected: yes.
Comment: Not observed at significant frequency in large population cohorts (gnomAD); In silico analysis supports that this missense variant has a deleterious effect on protein structure/function; Has not been previously published as pathogenic or benign to our knowledge

NM_000214.3(JAG1):c.2114G>A (p.Arg705His)

Gene: JAG1 (jagged canonical Notch ligand 1; minus strand). Cytogenetic location: 20p12.2.
Variant type: single nucleotide variant.
Coding change: c.2114G>A on transcript NM_000214.3 (MANE Select); coding-DNA position 2114, G replaced by A.
Protein change: p.Arg705His; replaces arginine 705 with histidine.
Molecular consequence: missense variant.
Genome position (GRCh38, 1-based): chr20:10,645,256, C>T on the plus strand (G>A on the coding strand, the complement: JAG1 is on the minus strand). VCF-style: chr20-10645256-C-T. GRCh37 (hg19) VCF-style: chr20-10625904-C-T.
Other names: short protein forms R705H.
Identifiers: ClinVar variation 1328834 (VCV001328834.7), dbSNP rs1320720578, ClinGen allele CA408235362.
Genomic context (GRCh38, chr20:10,645,256, plus strand): 5'-TCCCCCTCATCATAGCAGGTGCCACCGTTGTTGCACGTGGCCTCATCACACTGACTGTCA[C>T]CTGGAGGAAAATATTTCAGTGTGAGTCCCAGTGGCCCCCTCCCACAGAAGACAGAGGGAA-3'
Protein context (NP_000205.1, residues 695-715): NGWKGKTCHS[Arg705His]DSQCDEATCN